The following is an entry in ClinVar:

ClinVar aggregate classification (germline): Uncertain significance (1 of 4 stars; one submission).

Conditions:
Developmental and epileptic encephalopathy, 9 (DEE9). Also called: Early infantile epileptic encephalopathy 9; EPILEPSY, FEMALE-RESTRICTED, WITH MENTAL RETARDATION; JUBERG-HELLMAN SYNDROME; PCDH19-Related X-Linked Female-Limited Epilepsy with Mental Retardation. Identifiers: Orphanet 101039, Orphanet 2076, MedGen C1848137, MONDO:0010246, OMIM 300088. Disease mechanism: loss of function.

Submission:

Labcorp Genetics (formerly Invitae), Labcorp
Classification: Uncertain significance for Developmental and epileptic encephalopathy, 9. Last evaluated: 2024-05-16. Review status: criteria provided, single submitter. Criteria: Invitae Variant Classification Sherloc (09022015). Collection method: clinical testing. Allele origin: germline.
Comment: This sequence change replaces arginine, which is basic and polar, with tryptophan, which is neutral and slightly polar, at codon 498 of the PCDH19 protein (p.Arg498Trp). This variant is not present in population databases (gnomAD no frequency). This variant has not been reported in the literature in individuals affected with PCDH19-related conditions. Advanced modeling of protein sequence and biophysical properties (such as structural, functional, and spatial information, amino acid conservation, physicochemical variation, residue mobility, and thermodynamic stability) has been performed at Invitae for this missense variant, however the output from this modeling did not meet the statistical confidence thresholds required to predict the impact of this variant on PCDH19 protein function. In summary, the available evidence is currently insufficient to determine the role of this variant in disease. Therefore, it has been classified as a Variant of Uncertain Significance.

NM_001184880.2(PCDH19):c.1492C>T (p.Arg498Trp)

Gene: PCDH19 (protocadherin 19; minus strand). Cytogenetic location: Xq22.1.
Variant type: single nucleotide variant.
Coding change: c.1492C>T on transcript NM_001184880.2 (MANE Select); coding-DNA position 1492, C replaced by T.
Protein change: p.Arg498Trp; replaces arginine 498 with tryptophan.
Molecular consequence: missense variant.
Genome position (GRCh38, 1-based): chrX:100,407,106, G>A on the plus strand (C>T on the coding strand, the complement: PCDH19 is on the minus strand). VCF-style: chrX-100407106-G-A. GRCh37 (hg19) VCF-style: chrX-99662104-G-A.
Other names: c.1492C>T, p.Arg498Trp (NM_001105243.2, NM_020766.3); short protein forms R498W.
Identifiers: ClinVar variation 3612917 (VCV003612917.2).